The following is an entry in ClinVar:

ClinVar aggregate classification (germline): Pathogenic (1 of 4 stars; one submission).

Submission:

GeneDx
Classification: Pathogenic. Last evaluated: 2023-06-14. Review status: criteria provided, single submitter. Criteria: GeneDx Variant Classification Process June 2021. Collection method: clinical testing. Allele origin: germline. Affected: yes.
Comment: Nonsense variant predicted to result in protein truncation or nonsense mediated decay in a gene for which loss of function is a known mechanism of disease; Not observed at significant frequency in large population cohorts (gnomAD); Has not been previously published as pathogenic or benign to our knowledge

NM_000293.3(PHKB):c.2755C>T (p.Gln919Ter)

Gene: PHKB (phosphorylase kinase regulatory subunit beta; plus strand). Cytogenetic location: 16q12.1.
Variant type: single nucleotide variant.
Coding change: c.2755C>T on transcript NM_000293.3 (MANE Select); coding-DNA position 2755, C replaced by T.
Protein change: p.Gln919Ter; replaces glutamine 919 with a stop codon.
Molecular consequence: nonsense.
Genome position (GRCh38, 1-based): chr16:47,689,165, C>T. VCF-style: chr16-47689165-C-T. GRCh37 (hg19) VCF-style: chr16-47723076-C-T.
Other names: c.2734C>T, p.Gln912Ter (NM_001031835.3); c.2755C>T, p.Gln919Ter (NM_001363837.1); short protein forms Q912*, Q919*.
Identifiers: ClinVar variation 3359631 (VCV003359631.1).